The following is an entry in ClinVar:

NM_003850.3(SUCLA2):c.1270G>A (p.Gly424Arg)

Gene: SUCLA2 (succinate-CoA ligase ADP-forming subunit beta; minus strand). Cytogenetic location: 13q14.2.
Variant type: single nucleotide variant.
Coding change: c.1270G>A on transcript NM_003850.3 (MANE Select); coding-DNA position 1270, G replaced by A.
Protein change: p.Gly424Arg; replaces glycine 424 with arginine.
Molecular consequence: missense variant.
Genome position (GRCh38, 1-based): chr13:47,948,987, C>T on the plus strand (G>A on the coding strand, the complement: SUCLA2 is on the minus strand). VCF-style: chr13-47948987-C-T. GRCh37 (hg19) VCF-style: chr13-48523122-C-T.
Other names: short protein forms G424R.
Identifiers: ClinVar variation 1030716 (VCV001030716.11), dbSNP rs144441199, ClinGen allele CA6977791.

ClinVar aggregate classification (germline): Uncertain significance. Review status: criteria provided, multiple submitters, no conflicts (2 of 4 stars). 5 submissions from 5 submitters: Uncertain significance (5). Last evaluated 2026-08-11.

Conditions:
Inborn genetic diseases. Identifiers: MedGen C0950123, MeSH D030342.
Mitochondrial DNA depletion syndrome, encephalomyopathic form with methylmalonic aciduria (MTDPS5). Also called: SUCLA2-Related Mitochondrial DNA Depletion Syndrome, Encephalomyopathic Form with Methylmalonic Aciduria; Mitochondrial encephalomyopathy aminoacidopathy; MITOCHONDRIAL DNA DEPLETION SYNDROME, ENCEPHALOMYOPATHIC FORM, WITH OR WITHOUT METHYLMALONIC ACIDURIA, AUTOSOMAL RECESSIVE, SUCLA2-RELATED; Mitochondrial DNA depletion syndrome 5 (encephalomyopathic with or without methylmalonic aciduria). Identifiers: Orphanet 1933, MedGen C5980207, MONDO:0012791, OMIM 612073.

Allele frequency attached by ClinVar (database versions not stated): TOPMed 0.00020; gnomAD exomes 0.00021 and 0.00041; ExAC 0.00023; ESP Exome Variant Server 0.00023; gnomAD 0.00023 and 0.00025.
gnomAD v4.1: 614 of 1,613,622 alleles (0.038%); highest among the groups gnomAD compares: Non-Finnish European, 0.051%; no homozygotes.

Submissions (5):

GeneDx
Classification: Uncertain significance. Last evaluated: 2026-08-11. Review status: criteria provided, single submitter. Criteria: GeneDx Variant Classification Process June 2021. Collection method: clinical testing. Allele origin: germline.
Comment: In silico analysis supports that this missense variant has a deleterious effect on protein structure/function; Has not been previously published as pathogenic or benign to our knowledge

Blueprint Genetics
Classification: Uncertain significance. Last evaluated: 2024-06-06. Review status: criteria provided, single submitter. Criteria: ACMG Guidelines, 2015. Collection method: clinical testing. Allele origin: germline.

Ambry Genetics
Classification: Uncertain significance for Inborn genetic diseases. Last evaluated: 2023-10-14. Review status: criteria provided, single submitter. Criteria: Ambry Variant Classification Scheme 2023. Collection method: clinical testing. Allele origin: germline.

Labcorp Genetics (formerly Invitae), Labcorp
Classification: Uncertain significance for Mitochondrial DNA depletion syndrome, encephalomyopathic form with methylmalonic aciduria. Last evaluated: 2022-08-15. Review status: criteria provided, single submitter. Criteria: Invitae Variant Classification Sherloc (09022015). Collection method: clinical testing. Allele origin: germline.
Comment: This sequence change replaces glycine, which is neutral and non-polar, with arginine, which is basic and polar, at codon 424 of the SUCLA2 protein (p.Gly424Arg). This variant is present in population databases (rs144441199, gnomAD 0.05%). This variant has not been reported in the literature in individuals affected with SUCLA2-related conditions. ClinVar contains an entry for this variant (Variation ID: 1030716). Algorithms developed to predict the effect of missense changes on protein structure and function are either unavailable or do not agree on the potential impact of this missense change (SIFT: "Deleterious"; PolyPhen-2: "Benign"; Align-GVGD: "Class C0"). In summary, the available evidence is currently insufficient to determine the role of this variant in disease. Therefore, it has been classified as a Variant of Uncertain Significance.

Baylor Genetics
Classification: Uncertain significance for Mitochondrial DNA depletion syndrome, encephalomyopathic form with methylmalonic aciduria. Last evaluated: 2019-08-08. Review status: criteria provided, single submitter. Criteria: ACMG Guidelines, 2015. Collection method: clinical testing. Allele origin: unknown. Affected: yes.
Comment: This variant was determined to be of uncertain significance according to ACMG Guidelines, 2015 [PMID:25741868].